The following is an entry in ClinVar:

NM_002049.4(GATA1):c.220+1G>C

Gene: GATA1 (GATA binding protein 1; plus strand). Cytogenetic location: Xp11.23.
Variant type: single nucleotide variant.
Coding change: c.220+1G>C on transcript NM_002049.4 (MANE Select); the canonical splice donor site of the intron after coding-DNA position 220, G replaced by C.
Molecular consequence: splice donor variant.
Genome position (GRCh38, 1-based): chrX:48,791,330, G>C. VCF-style: chrX-48791330-G-C. GRCh37 (hg19) VCF-style: chrX-48649737-G-C.
Identifiers: ClinVar variation 567419 (VCV000567419.8), dbSNP rs1569499366, ClinGen allele CA412867314.
Genomic context (GRCh38, chrX:48,791,330, plus strand): 5'-CCGCTGCAGCTGCGGCACTGGCCTACTACAGGGACGCTGAGGCCTACAGACACTCCCCAG[G>C]TAACTCCATTGAGTGGCTGTCTTGGCATTGGCTGAGTGCTGTTGGGGTTGCCATGGAGAT-3'

ClinVar aggregate classification (germline): Pathogenic (1 of 4 stars; one submission).

Conditions:
Diamond-Blackfan anemia. Also called: Blackfan Diamond syndrome; Aregenerative anemia chronic congenital; Red cell aplasia, pure hereditary; Congenital hypoplastic anemia; Aase syndrome. Identifiers: Orphanet 124, MedGen C1260899, MeSH D029503, MONDO:0015253, HP:0004810.
GATA binding protein 1 related thrombocytopenia with dyserythropoiesis. Also called: GATA1-Related X-Linked Cytopenia; GATA1-Related Cytopenia. Identifiers: MedGen C1845837, MONDO:0100089.

Submission:

Labcorp Genetics (formerly Invitae), Labcorp
Classification: Pathogenic for GATA binding protein 1 related thrombocytopenia with dyserythropoiesis; Diamond-Blackfan anemia. Last evaluated: 2025-12-28. Review status: criteria provided, single submitter. Criteria: Invitae Variant Classification Sherloc (09022015). Collection method: clinical testing. Allele origin: germline.
Comment: This sequence change affects a donor splice site in intron 2 of the GATA1 gene. It is expected to disrupt RNA splicing. Variants that disrupt the donor or acceptor splice site typically lead to a loss of protein function (PMID: 16199547), and loss-of-function variants in GATA1 are known to be pathogenic (PMID: 16783379, 22706301, 23704091, 24453067). This variant is not present in population databases (gnomAD no frequency). Disruption of this splice site has been observed in individual(s) with clinical features of GATA1-related conditions (PMID: 36845397). In at least one individual the variant was observed to be de novo. ClinVar contains an entry for this variant (Variation ID: 567419). Algorithms developed to predict the effect of sequence changes on RNA splicing suggest that this variant may disrupt the consensus splice site. For these reasons, this variant has been classified as Pathogenic.

Literature cited by the submitters: PubMed 16199547; PubMed 16783379; PubMed 22706301; PubMed 23704091; PubMed 24453067; PubMed 36845397.